The following is an entry in ClinVar:

NM_198576.4(AGRN):c.2771C>T (p.Pro924Leu)

Gene: AGRN (agrin; plus strand). Cytogenetic location: 1p36.33.
Variant type: single nucleotide variant.
Coding change: c.2771C>T on transcript NM_198576.4 (MANE Select); coding-DNA position 2771, C replaced by T.
Protein change: p.Pro924Leu; replaces proline 924 with leucine.
Molecular consequence: missense variant.
Genome position (GRCh38, 1-based): chr1:1,046,054, C>T. VCF-style: chr1-1046054-C-T. GRCh37 (hg19) VCF-style: chr1-981434-C-T.
Other names: c.2771C>T, p.Pro924Leu (NM_001305275.2); c.2456C>T, p.Pro819Leu (NM_001364727.2); short protein forms P819L, P924L.
Identifiers: ClinVar variation 1437743 (VCV001437743.5), dbSNP rs530518237, ClinGen allele CA508798.
Genomic context (GRCh38, chr1:1,046,054, plus strand): 5'-TGCGCTGTGAGTTCGGTGCGCGGTGCGTGGAGGAGTCTGGCTCAGCCCACTGTGTCTGCC[C>T]GATGCTCACCTGTCCAGAGGCCAACGCTACCAAGGTGAGGGGTGTGGGATGTGAAGGGGA-3'
Protein context (NP_940978.2, residues 914-934): EESGSAHCVC[Pro924Leu]MLTCPEANAT

ClinVar aggregate classification (germline): Uncertain significance (1 of 4 stars; one submission).

Conditions:
Congenital myasthenic syndrome 8. Also called: MYASTHENIC SYNDROME, CONGENITAL, DUE TO AGRIN DEFICIENCY; Myasthenic syndrome, congenital, 8, with pre- and postsynaptic defects. Identifiers: Orphanet 590, MedGen C3808739, MONDO:0014052, OMIM 615120.

Allele frequency attached by ClinVar (database versions not stated): gnomAD exomes 0.00001 and 0.00002; ExAC 0.00002; TOPMed 0.00002; gnomAD 0.00003.
gnomAD v4.1: 24 of 1,613,912 alleles (0.0015%); highest among the groups gnomAD compares: African/African-American, 0.0093%; no homozygotes.

Submission:

Labcorp Genetics (formerly Invitae), Labcorp
Classification: Uncertain significance for Congenital myasthenic syndrome 8. Last evaluated: 2022-07-11. Review status: criteria provided, single submitter. Criteria: Invitae Variant Classification Sherloc (09022015). Collection method: clinical testing. Allele origin: germline.
Comment: This sequence change replaces proline, which is neutral and non-polar, with leucine, which is neutral and non-polar, at codon 924 of the AGRN protein (p.Pro924Leu). This variant is present in population databases (rs530518237, gnomAD 0.02%). This variant has not been reported in the literature in individuals affected with AGRN-related conditions. Algorithms developed to predict the effect of missense changes on protein structure and function are either unavailable or do not agree on the potential impact of this missense change (SIFT: "Deleterious"; PolyPhen-2: "Possibly Damaging"; Align-GVGD: "Class C0"). In summary, the available evidence is currently insufficient to determine the role of this variant in disease. Therefore, it has been classified as a Variant of Uncertain Significance.